The following is an entry in ClinVar:

ClinVar aggregate classification (germline): Pathogenic (1 of 4 stars; one submission).

Conditions:
Familial cancer of breast. Also called: Hereditary breast cancer; hereditary breast carcinoma; BREAST CANCER, FAMILIAL. Identifiers: Orphanet 227535, MedGen C0346153, MONDO:0016419, OMIM 114480. Disease mechanism: loss of function.

Submission:

Labcorp Genetics (formerly Invitae), Labcorp
Classification: Pathogenic for Familial cancer of breast. Last evaluated: 2020-09-24. Review status: criteria provided, single submitter. Criteria: Invitae Variant Classification Sherloc (09022015). Collection method: clinical testing. Allele origin: germline.
Comment: This variant has not been reported in the literature in individuals with PALB2-related conditions. This sequence change creates a premature translational stop signal (p.Ile850Lysfs*12) in the PALB2 gene. It is expected to result in an absent or disrupted protein product. This variant is not present in population databases (ExAC no frequency). Loss-of-function variants in PALB2 are known to be pathogenic (PMID: 17200668, 24136930, 25099575). For these reasons, this variant has been classified as Pathogenic.

Literature cited by the submitters: PubMed 17200668; PubMed 24136930; PubMed 25099575.

NM_024675.4(PALB2):c.2549del (p.Ile850fs)

Gene: PALB2 (partner and localizer of BRCA2; minus strand). Cytogenetic location: 16p12.2.
Variant type: Deletion.
Coding change: c.2549del on transcript NM_024675.4 (MANE Select); coding-DNA position 2549, one base deleted (T; older notation c.2549delT).
Protein change: p.Ile850fs; shifts the reading frame from isoleucine 850.
Molecular consequence: frameshift variant.
Genome position (GRCh38, 1-based): chr16:23,629,241, A deleted on the plus strand (T on the coding strand, the reverse complement: PALB2 is on the minus strand). VCF-style (leftmost placement, unchanged base first): chr16-23629240-TA-T. GRCh37 (hg19) VCF-style: chr16-23640561-TA-T.
Other names: short protein forms I850fs.
Identifiers: ClinVar variation 1074086 (VCV001074086.8), dbSNP rs2142368459, ClinGen allele CA2499223422.